The following is an entry in ClinVar:

ClinVar aggregate classification (germline): Uncertain significance (0 of 4 stars; one submission).

Conditions:
CRB2-related disorder. Also called: CRB2-related condition; CRB2-related disorders.

gnomAD v4.1: 9 of 1,515,112 alleles (0.00059%); highest among the groups gnomAD compares: Middle Eastern, 0.036%; no homozygotes.

Submission:

PreventionGenetics, part of Exact Sciences
Classification: Uncertain significance for CRB2-related condition. Last evaluated: 2024-03-24. Review status: no assertion criteria provided. Collection method: clinical testing. Allele origin: germline.
Comment: The CRB2 c.2653C>T variant is predicted to result in the amino acid substitution p.His885Tyr. To our knowledge, this variant has not been reported in the literature. This variant is reported in 0.043% of alleles in individuals of East Asian descent in gnomAD. At this time, the clinical significance of this variant is uncertain due to the absence of conclusive functional and genetic evidence.

NM_173689.7(CRB2):c.2653C>T (p.His885Tyr)

Gene: CRB2 (crumbs cell polarity complex component 2; plus strand). Cytogenetic location: 9q33.3.
Variant type: single nucleotide variant.
Coding change: c.2653C>T on transcript NM_173689.7 (MANE Select); coding-DNA position 2653, C replaced by T.
Protein change: p.His885Tyr; replaces histidine 885 with tyrosine.
Molecular consequence: missense variant. On other transcripts: non-coding transcript variant (1).
Genome position (GRCh38, 1-based): chr9:123,373,184, C>T. VCF-style: chr9-123373184-C-T. GRCh37 (hg19) VCF-style: chr9-126135463-C-T.
Other names: short protein forms H885Y.
Identifiers: ClinVar variation 3353318 (VCV003353318.1).
Genomic context (GRCh38, chr9:123,373,184, plus strand): 5'-CTCTCCGCAGGTGTGGCGGAGGCCACGTTCCGCGAGGGTCCCCCCGCCGCGTTCAGCGGG[C>T]ACAACGCGTCGTCAGGGCGCTTGCTCGGCGGCCTGTCGCTGGCCTTTCGCACGCGCGACT-3'
Protein context (NP_775960.4, residues 875-895): REGPPAAFSG[His885Tyr]NASSGRLLGG